The following is an entry in ClinVar:

ClinVar aggregate classification (germline): Pathogenic (1 of 4 stars; one submission).

Conditions:
SETBP1-related disorder. Also called: SETBP1-related condition; SETBP1-related disorders.

Submission:

PreventionGenetics, part of Exact Sciences
Classification: Pathogenic for SETBP1-related condition. Last evaluated: 2023-09-24. Review status: criteria provided, single submitter. Criteria: ACMG Guidelines, 2015. Collection method: clinical testing. Allele origin: germline.
Comment: The SETBP1 c.2087delC variant is predicted to result in a frameshift and premature protein termination (p.Pro696Glnfs*88). To our knowledge, this variant has not been reported in the literature or in a large population database, indicating this variant is rare. Frameshift variants in SETBP1 are expected to be pathogenic. This variant is interpreted as pathogenic.

NM_015559.3(SETBP1):c.2087del (p.Pro696fs)

Gene: SETBP1 (SET binding protein 1; plus strand). Cytogenetic location: 18q12.3.
Variant type: Deletion.
Coding change: c.2087del on transcript NM_015559.3 (MANE Select); coding-DNA position 2087, one base deleted (C; older notation c.2087delC).
Protein change: p.Pro696fs; shifts the reading frame from proline 696.
Molecular consequence: frameshift variant.
Genome position (GRCh38, 1-based): chr18:44,951,427, C deleted; the last of 5 consecutive C bases (chr18:44,951,423-44,951,427); deleting any one gives the same sequence. VCF-style (leftmost placement, unchanged base first): chr18-44951422-TC-T. GRCh37 (hg19) VCF-style: chr18-42531387-TC-T.
Other names: c.2087del, p.Pro696fs (NM_001379141.1, NM_001379142.1, NM_001410862.1); short protein forms P696fs.
Identifiers: ClinVar variation 2630876 (VCV002630876.1), dbSNP rs1568235567, ClinGen allele CA645613017.